The following is an entry in ClinVar:

NM_006516.4(SLC2A1):c.*571C>T

Gene: SLC2A1 (solute carrier family 2 member 1; minus strand). Cytogenetic location: 1p34.2.
Variant type: single nucleotide variant.
Coding change: c.*571C>T on transcript NM_006516.4 (MANE Select); 571 bases downstream of the stop codon, C replaced by T.
Molecular consequence: 3 prime UTR variant.
Genome position (GRCh38, 1-based): chr1:42,926,470, G>A on the plus strand (C>T on the coding strand, the complement: SLC2A1 is on the minus strand). VCF-style: chr1-42926470-G-A. GRCh37 (hg19) VCF-style: chr1-43392141-G-A.
Identifiers: ClinVar variation 297371 (VCV000297371.5), dbSNP rs6413524, ClinGen allele CA10610264.

ClinVar aggregate classification (germline): Benign. Review status: criteria provided, single submitter (1 of 4 stars). 2 submissions from 1 submitter: Benign (2). Last evaluated 2018-01-12.

Conditions:
Encephalopathy due to GLUT1 deficiency. Also called: Classic Glucose Transporter Type 1 Deficiency Syndrome; GLUCOSE TRANSPORT DEFECT, BLOOD-BRAIN BARRIER; De Vivo disease; Glucose transporter protein syndrome; GLUT1 deficiency syndrome 1, infantile onset, severe; GLUT1 deficiency syndrome 1. Identifiers: Orphanet 71277, MedGen C4551966, MONDO:0011724, OMIM 606777.
Dystonia 9 (DYT9). Also called: CHOREOATHETOSIS, KINESIGENIC, WITH EPISODIC ATAXIA AND SPASTICITY. Identifiers: Orphanet 53583, MedGen C1832855, MONDO:0010983, OMIM 601042.

Allele frequency attached by ClinVar (database versions not stated): gnomAD exomes 0.00029; gnomAD 0.00080 and 0.00083; TOPMed 0.00101; 1000 Genomes Project 30x 0.00203; 1000 Genomes Project 0.00220.
gnomAD v4.1: 155 of 258,330 alleles (0.06%); highest among the groups gnomAD compares: African/African-American, 0.29%; no homozygotes.

Submissions (2):

Illumina Laboratory Services, Illumina
Classification: Benign for Encephalopathy due to GLUT1 deficiency. Last evaluated: 2018-01-12. Review status: criteria provided, single submitter. Criteria: ICSL Variant Classification Criteria 13 December 2019. Collection method: clinical testing. Allele origin: germline.
Comment: This variant was observed in the ICSL laboratory as part of a predisposition screen in an ostensibly healthy population. It had not been previously curated by ICSL or reported in the Human Gene Mutation Database (HGMD: prior to June 1st, 2018), and was therefore a candidate for classification through an automated scoring system. Utilizing variant allele frequency, disease prevalence and penetrance estimates, and inheritance mode, an automated score was calculated to assess if this variant is too frequent to cause the disease. Based on the score and internal cut-off values, a variant classified as benign is not then subjected to further curation. The score for this variant resulted in a classification of benign for this disease.

Illumina Laboratory Services, Illumina
Classification: Benign for Dystonia 9. Last evaluated: 2018-01-12. Review status: criteria provided, single submitter. Criteria: ICSL Variant Classification Criteria 13 December 2019. Collection method: clinical testing. Allele origin: germline.
Comment: the same text as in the submission from Illumina Laboratory Services, Illumina above.